The following is an entry in ClinVar:

ClinVar aggregate classification (germline): Pathogenic. Review status: criteria provided, single submitter (1 of 4 stars). 2 submissions from 2 submitters: Pathogenic (1). 1 of the submissions does not count toward it. Last evaluated 2019-11-26.

Conditions:
Steinert myotonic dystrophy syndrome (DM1). Also called: STEINERT DISEASE; Myotonic dystrophy type 1; Dystrophia myotonica type 1; Steinert myotonic dystrophy; Steinert's disease. Identifiers: Orphanet 273, MedGen C3250443, MONDO:0008056, OMIM 160900.

Submissions (2):

Neuromuscular Research, Maastricht University Medical Centre
Classification: Pathogenic for Steinert myotonic dystrophy syndrome. Last evaluated: 2019-11-26. Review status: criteria provided, single submitter. Criteria: Best practice guidelines on molecular diagnosis DM1 and DM2, Kamsteeg et al. 2012. Collection method: clinical testing. Allele origin: maternal. Affected: yes.

Institute of Molecular, Cell and Systems Biology, University of Glasgow
Classification: Pathogenic for Steinert myotonic dystrophy syndrome. Review status: no assertion criteria provided. Criteria: research. Collection method: research. Allele origin: germline. Inheritance: Autosomal dominant inheritance. Affected: yes. Observed: 1 heterozygote. Not counted in ClinVar's aggregate classification.
Comment: DMPK CTG repeat expansions greater than approximately 45-50 repeats are assumed to be pathogenic

This record is based on data published in PubMed 25052313, which reports only ClinVar accessions SCV000120188 and SCV000120189. The complete data set includes SCV000207445 - SCV000207579.

Literature cited by the submitters: PubMed 32203199 (cited by Neuromuscular Research, Maastricht University Medical Centre); PubMed 1346923 (cited by Institute of Molecular, Cell and Systems Biology, University of Glasgow); PubMed 1546326 (cited by Institute of Molecular, Cell and Systems Biology, University of Glasgow); PubMed 25052313 (cited by Institute of Molecular, Cell and Systems Biology, University of Glasgow).

NM_004409.5(DMPK):c.*224CTG[64]

Genes: DM1-AS (DM1 locus antisense RNA; plus strand), DMPK (DM1 protein kinase; minus strand), LOC107075317 (origin of replication in DMPK trinucleotide repeat region; plus strand), LOC109461477 (dystrophia myotonica protein kinase repeat instability region; plus strand). Cytogenetic location: 19q13.32.
Variant type: Microsatellite.
Coding change: c.*224CTG[64] on transcript NM_004409.5 (MANE Select); 64 copies in a row of the 3-base unit CTG starting at c.*224.
Molecular consequence: 3 prime UTR variant.
Genome position: GRCh38, VCF-style position (the base before the change): chr19:45,770,204. GRCh37 (hg19), VCF-style position (the base before the change): chr19:46,273,462.
Other names: DM1 CTG repeat expansion; c.*224CTG[64] (NM_001081560.3, NM_001288764.2, NM_001424165.1 and 1 more transcripts); c.*217CTG[64] (NM_001081562.3, NM_001288765.2, NM_001424162.1 and 2 more transcripts); c.*222_*224TGC[64] (NM_001081563.3); c.*369CTG[64] (NM_001288766.2, NM_001424164.1, NM_001424168.1).
Identifiers: ClinVar variation 188016 (VCV000188016.3), ClinGen allele CA915951846.